The following is an entry in ClinVar:

NM_002485.5(NBN):c.172-3C>T

Gene: NBN (nibrin; minus strand). Cytogenetic location: 8q21.3.
Variant type: single nucleotide variant.
Coding change: c.172-3C>T on transcript NM_002485.5 (MANE Select); 3 bases into the intron before coding-DNA position 172, C replaced by T.
Molecular consequence: intron variant.
Genome position (GRCh38, 1-based): chr8:89,981,526, G>A on the plus strand (C>T on the coding strand, the complement: NBN is on the minus strand). VCF-style: chr8-89981526-G-A. GRCh37 (hg19) VCF-style: chr8-90993754-G-A.
Other names: c.-75-3C>T (NM_001024688.3).
Identifiers: ClinVar variation 141269 (VCV000141269.24), dbSNP rs587781620, ClinGen allele CA164959.

ClinVar aggregate classification (germline): Conflicting classifications of pathogenicity. Review status: criteria provided, conflicting classifications (1 of 4 stars). 6 submissions from 6 submitters: Uncertain significance (5); Likely benign (1). Last evaluated 2025-12-08.

Conditions:
Hereditary cancer-predisposing syndrome. Also called: Neoplastic Syndromes, Hereditary; Hereditary neoplastic syndrome; Hereditary Cancer Syndrome; Tumor predisposition. Identifiers: Orphanet 140162, MedGen C0027672, MeSH D009386, MONDO:0015356.
Microcephaly, normal intelligence and immunodeficiency (NBS). Also called: BERLIN BREAKAGE SYNDROME; IMMUNODEFICIENCY, MICROCEPHALY, AND CHROMOSOMAL INSTABILITY; Immunodeficiency, microcephaly with normal intelligence; Nijmegen breakage syndrome; Microcephaly with normal intelligence immunodeficiency and lymphoreticular malignancies; Nonsyndromal microcephaly autosomal recessive with normal intelligence. Identifiers: Orphanet 647, MedGen C0398791, MONDO:0009623, OMIM 251260.

Allele frequency attached by ClinVar (database versions not stated): ExAC 0.00001; gnomAD exomes 0.00001 and 0.00002; TOPMed 0.00001.
gnomAD v4.1: 25 of 1,612,576 alleles (0.0016%); highest among the groups gnomAD compares: Non-Finnish European, 0.0017%; no homozygotes.

Submissions (6):

Labcorp Genetics (formerly Invitae), Labcorp
Classification: Uncertain significance for Microcephaly, normal intelligence and immunodeficiency. Last evaluated: 2025-12-08. Review status: criteria provided, single submitter. Criteria: Invitae Variant Classification Sherloc (09022015). Collection method: clinical testing. Allele origin: germline.
Comment: This sequence change falls in intron 2 of the NBN gene. It does not directly change the encoded amino acid sequence of the NBN protein. It affects a nucleotide within the consensus splice site. This variant is present in population databases (rs587781620, gnomAD 0.002%). This variant has not been reported in the literature in individuals affected with NBN-related conditions. ClinVar contains an entry for this variant (Variation ID: 141269). Variants that disrupt the consensus splice site are a relatively common cause of aberrant splicing (PMID: 17576681, 9536098). Studies have shown this variant is associated with increased alternative splicing in a deep intronic region, but one or more of the resulting mRNA isoform(s) may be naturally occurring (internal data). In summary, the available evidence is currently insufficient to determine the role of this variant in disease. Therefore, it has been classified as a Variant of Uncertain Significance.

Hema, HEMA – Genetic and Molecular Diagnostic Laboratory
Classification: Uncertain significance for Microcephaly, normal intelligence and immunodeficiency. Last evaluated: 2025-03-14. Review status: criteria provided, single submitter. Criteria: HEMA Variant Classification Assertion Criteria. Collection method: clinical testing. Allele origin: germline.
Comment: It is a transition from guanine to adenine at position -3 of intron 2 of the NBN gene. PM2_Supporting: Present at very low frequency in the gnomAD v4.1.0 database. The SpliceAI splicing predictor score is inconclusive, not allowing the application of PP3 or BP4. Therefore, this variant is classified as a variant of uncertain significance based on the PM2_Supporting criterion.

Ambry Genetics
Classification: Uncertain significance for Hereditary cancer-predisposing syndrome. Last evaluated: 2022-06-24. Review status: criteria provided, single submitter. Criteria: Ambry Variant Classification Scheme 2023. Collection method: clinical testing. Allele origin: germline.
Comment: The c.172-3C>T intronic variant results from a C to T substitution 3 nucleotides upstream from coding exon 3 in the NBN gene. This nucleotide position is well conserved in available vertebrate species. In silico splice site analysis for this alteration is inconclusive. RNA studies have demonstrated that this alteration results in an incomplete splice defect; the clinical impact of this abnormal splicing is unknown at this time (Ambry internal data). Since supporting evidence is limited at this time, the clinical significance of this alteration remains unclear.

Genome-Nilou Lab
Classification: Uncertain significance for Microcephaly, normal intelligence and immunodeficiency. Last evaluated: 2021-11-07. Review status: criteria provided, single submitter. Criteria: ACMG Guidelines, 2015. Collection method: clinical testing. Allele origin: germline. Affected: no.

GeneDx
Classification: Likely benign. Last evaluated: 2021-01-29. Review status: criteria provided, single submitter. Criteria: GeneDx Variant Classification Process June 2021. Collection method: clinical testing. Allele origin: germline. Affected: yes.

Illumina Laboratory Services, Illumina
Classification: Uncertain significance for Microcephaly, normal intelligence and immunodeficiency. Last evaluated: 2018-01-12. Review status: criteria provided, single submitter. Criteria: ICSL Variant Classification Criteria 13 December 2019. Collection method: clinical testing. Allele origin: germline.

Literature cited by the submitters: PubMed 17576681 (cited by Labcorp Genetics (formerly Invitae), Labcorp); PubMed 9536098 (cited by Labcorp Genetics (formerly Invitae), Labcorp).